The following is an entry in ClinVar:

NM_003468.4(FZD5):c.127G>A (p.Gly43Ser)

Gene: FZD5 (frizzled class receptor 5; minus strand). Cytogenetic location: 2q33.3.
Variant type: single nucleotide variant.
Coding change: c.127G>A on transcript NM_003468.4 (MANE Select); coding-DNA position 127, G replaced by A.
Protein change: p.Gly43Ser; replaces glycine 43 with serine.
Molecular consequence: missense variant.
Genome position (GRCh38, 1-based): chr2:207,768,613, C>T on the plus strand (G>A on the coding strand, the complement: FZD5 is on the minus strand). VCF-style: chr2-207768613-C-T. GRCh37 (hg19) VCF-style: chr2-208633337-C-T.
Other names: short protein forms G43S.
Identifiers: ClinVar variation 3356322 (VCV003356322.1).

ClinVar aggregate classification (germline): Uncertain significance (0 of 4 stars; one submission).

Conditions:
FZD5-related disorder. Also called: FZD5-related condition.

Submission:

PreventionGenetics, part of Exact Sciences
Classification: Uncertain significance for FZD5-related condition. Last evaluated: 2024-08-31. Review status: no assertion criteria provided. Collection method: clinical testing. Allele origin: germline.
Comment: The FZD5 c.127G>A variant is predicted to result in the amino acid substitution p.Gly43Ser. To our knowledge, this variant has not been reported in the literature or in gnomAD, indicating this variant is rare. At this time, the clinical significance of this variant is uncertain due to the absence of conclusive functional and genetic evidence.